The following is an entry in ClinVar:

ClinVar aggregate classification (germline): Uncertain significance (1 of 4 stars; one submission).

Conditions:
Cardiovascular phenotype. Identifiers: MedGen CN230736.

Submission:

Ambry Genetics
Classification: Uncertain significance for Cardiovascular phenotype. Last evaluated: 2022-10-17. Review status: criteria provided, single submitter. Criteria: Ambry Variant Classification Scheme 2023. Collection method: clinical testing. Allele origin: germline.
Comment: The p.A916V variant (also known as c.2747C>T), located in coding exon 18 of the APOB gene, results from a C to T substitution at nucleotide position 2747. The alanine at codon 916 is replaced by valine, an amino acid with similar properties. This amino acid position is conserved. In addition, this alteration is predicted to be tolerated by in silico analysis. Since supporting evidence is limited at this time, the clinical significance of this alteration remains unclear.

NM_000384.3(APOB):c.2747C>T (p.Ala916Val)

Gene: APOB (apolipoprotein B; minus strand). Cytogenetic location: 2p24.1.
Variant type: single nucleotide variant.
Coding change: c.2747C>T on transcript NM_000384.3 (MANE Select); coding-DNA position 2747, C replaced by T.
Protein change: p.Ala916Val; replaces alanine 916 with valine.
Molecular consequence: missense variant.
Genome position (GRCh38, 1-based): chr2:21,022,900, G>A on the plus strand (C>T on the coding strand, the complement: APOB is on the minus strand). VCF-style: chr2-21022900-G-A. GRCh37 (hg19) VCF-style: chr2-21245772-G-A.
Other names: short protein forms A916V.
Identifiers: ClinVar variation 1795496 (VCV001795496.2), dbSNP rs1663648220, ClinGen allele CA346010611.